The following is an entry in ClinVar:

ClinVar aggregate classification (germline): Pathogenic/Likely pathogenic. Review status: criteria provided, multiple submitters, no conflicts (2 of 4 stars). 2 submissions from 2 submitters: Pathogenic (1); Likely pathogenic (1). Last evaluated 2025-02-01.

Conditions:
Leigh syndrome (NULS). Also called: Leigh's syndrome; Leigh Disease; Subacute necrotizing encephalopathy; Necrotizing encephalopathy infantile subacute of Leigh; LEIGH SYNDROME, NUCLEAR; Leigh's necrotizing encephalopathy. Identifiers: Orphanet 506, MedGen C2931891, MONDO:0009723, OMIM 256000.

Submissions (2):

CeGaT Center for Human Genetics Tuebingen
Classification: Likely pathogenic. Last evaluated: 2025-02-01. Review status: criteria provided, single submitter. Criteria: CeGaT Center For Human Genetics Tuebingen Variant Classification Criteria Version 2. Collection method: clinical testing. Allele origin: germline. Affected: yes. Observed: 3 variant alleles.
Comment: SURF1: PM2, PM3, PM4

Labcorp Genetics (formerly Invitae), Labcorp
Classification: Pathogenic for Leigh syndrome. Last evaluated: 2023-08-16. Review status: criteria provided, single submitter. Criteria: Invitae Variant Classification Sherloc (09022015). Collection method: clinical testing. Allele origin: germline.
Comment: For these reasons, this variant has been classified as Pathogenic. This variant disrupts a region of the SURF1 protein in which other variant(s) (p.Lys291*) have been determined to be pathogenic (PMID: 9837813, 25111564, 27756633). This suggests that this is a clinically significant region of the protein, and that variants that disrupt it are likely to be disease-causing. This frameshift has been observed in individual(s) with SURF1-related conditions (PMID: 33101984). This variant is not present in population databases (gnomAD no frequency). This sequence change results in a frameshift in the SURF1 gene (p.Phe290Leufs*). While this is not anticipated to result in nonsense mediated decay, it is expected to disrupt the last 11 amino acid(s) of the SURF1 protein and extend the protein by an uncertain number of additional amino acid residues.

Literature cited by the submitters: PubMed 9837813 (cited by Labcorp Genetics (formerly Invitae), Labcorp); PubMed 25111564 (cited by Labcorp Genetics (formerly Invitae), Labcorp); PubMed 27756633 (cited by Labcorp Genetics (formerly Invitae), Labcorp); PubMed 33101984 (cited by Labcorp Genetics (formerly Invitae), Labcorp).

NM_003172.4(SURF1):c.870del (p.Phe290fs)

Gene: SURF1 (SURF1 cytochrome c oxidase assembly factor; minus strand). Cytogenetic location: 9q34.2.
Variant type: Deletion.
Coding change: c.870del on transcript NM_003172.4 (MANE Select); coding-DNA position 870, one base deleted (T; older notation c.870delT).
Protein change: p.Phe290fs; shifts the reading frame from phenylalanine 290.
Molecular consequence: frameshift variant.
Genome position (GRCh38, 1-based): chr9:133,351,946, A deleted on the plus strand (T on the coding strand, the reverse complement: SURF1 is on the minus strand); the first of 3 consecutive A bases (chr9:133,351,946-133,351,948); deleting any one gives the same sequence. VCF-style (leftmost placement, unchanged base first): chr9-133351945-TA-T. GRCh37 (hg19) VCF-style: chr9-136218800-TA-T.
Other names: c.543del, p.Phe181fs (NM_001280787.1); short protein forms F290fs, F181fs.
Identifiers: ClinVar variation 2726031 (VCV002726031.23), dbSNP rs782061187, ClinGen allele CA2695211579.
Genomic context (GRCh38, chr9:133,351,945, plus strand): 5'-CAGGGACAGGGCTTCAGCAGCTGATCTGTCACACACCAGGTGTCCCACGTAGGAATTTCT[TA>T]AACCACAGGTAGGATGTAGCTGCAGAGAGTCCATACCTAGGGGTTGAAAGCAAGCCAGCA-3'